The following is an entry in ClinVar:

NM_001690.4(ATP6V1A):c.1102A>T (p.Met368Leu)

Gene: ATP6V1A (ATPase H+ transporting V1 subunit A; plus strand). Cytogenetic location: 3q13.31.
Variant type: single nucleotide variant.
Coding change: c.1102A>T on transcript NM_001690.4 (MANE Select); coding-DNA position 1102, A replaced by T.
Protein change: p.Met368Leu; replaces methionine 368 with leucine.
Molecular consequence: missense variant.
Genome position (GRCh38, 1-based): chr3:113,794,985, A>T. VCF-style: chr3-113794985-A-T. GRCh37 (hg19) VCF-style: chr3-113513832-A-T.
Other names: short protein forms M368L.
Identifiers: ClinVar variation 3602840 (VCV003602840.1).

ClinVar aggregate classification (germline): Uncertain significance (1 of 4 stars; one submission).

Submission:

GeneDx
Classification: Uncertain significance. Last evaluated: 2024-08-08. Review status: criteria provided, single submitter. Criteria: GeneDx Variant Classification Process June 2021. Collection method: clinical testing. Allele origin: germline. Affected: yes.
Comment: Not observed at significant frequency in large population cohorts (gnomAD); In silico analysis supports that this missense variant has a deleterious effect on protein structure/function; Has not been previously published as pathogenic or benign to our knowledge